The following is an entry in ClinVar:

NM_020631.6(PLEKHG5):c.1396G>A (p.Ala466Thr)

Gene: PLEKHG5 (pleckstrin homology and RhoGEF domain containing G5; minus strand). Cytogenetic location: 1p36.31.
Variant type: single nucleotide variant.
Coding change: c.1396G>A on transcript NM_020631.6 (MANE Select); coding-DNA position 1396, G replaced by A.
Protein change: p.Ala466Thr; replaces alanine 466 with threonine.
Molecular consequence: missense variant.
Genome position (GRCh38, 1-based): chr1:6,470,881, C>T on the plus strand (G>A on the coding strand, the complement: PLEKHG5 is on the minus strand). VCF-style: chr1-6470881-C-T. GRCh37 (hg19) VCF-style: chr1-6530941-C-T.
Other names: c.1507G>A, p.Ala503Thr (NM_001042663.3, NM_001265592.2); c.1396G>A, p.Ala466Thr (NM_001042664.2, NM_001042665.2, NM_001265594.3 and 1 more transcripts); c.1603G>A, p.Ala535Thr (NM_001265593.2); short protein forms A535T, A503T, A466T.
Identifiers: ClinVar variation 2157952 (VCV002157952.1), dbSNP rs757292650, ClinGen allele CA561515.

ClinVar aggregate classification (germline): Uncertain significance (1 of 4 stars; one submission).

Conditions:
Charcot-Marie-Tooth disease recessive intermediate C. Also called: CHARCOT-MARIE-TOOTH NEUROPATHY, RECESSIVE INTERMEDIATE C. Identifiers: Orphanet 369867, MedGen C3809309, MONDO:0014154, OMIM 615376.
Neuronopathy, distal hereditary motor, autosomal recessive 4. Also called: NEUROPATHY, DISTAL HEREDITARY MOTOR, AUTOSOMAL RECESSIVE 4; Autosomal recessive lower motor neuron disease with childhood onset. Identifiers: Orphanet 206580, MedGen C1970211, MONDO:0012608, OMIM 611067.

Allele frequency attached by ClinVar (database versions not stated): gnomAD exomes below 0.00001; TOPMed 0.00002.

Submission:

Labcorp Genetics (formerly Invitae), Labcorp
Classification: Uncertain significance for Neuronopathy, distal hereditary motor, autosomal recessive 4; Charcot-Marie-Tooth disease recessive intermediate C. Last evaluated: 2022-06-18. Review status: criteria provided, single submitter. Criteria: Invitae Variant Classification Sherloc (09022015). Collection method: clinical testing. Allele origin: germline.
Comment: This sequence change replaces alanine, which is neutral and non-polar, with threonine, which is neutral and polar, at codon 466 of the PLEKHG5 protein (p.Ala466Thr). The frequency data for this variant in the population databases is considered unreliable, as metrics indicate poor data quality at this position in the gnomAD database. This variant has not been reported in the literature in individuals affected with PLEKHG5-related conditions. Algorithms developed to predict the effect of missense changes on protein structure and function are either unavailable or do not agree on the potential impact of this missense change (SIFT: "Tolerated"; PolyPhen-2: "Possibly Damaging"; Align-GVGD: "Class C0"). In summary, the available evidence is currently insufficient to determine the role of this variant in disease. Therefore, it has been classified as a Variant of Uncertain Significance.